The following is an entry in ClinVar:

ClinVar aggregate classification (germline): Uncertain significance (1 of 4 stars; one submission).

Allele frequency attached by ClinVar (database versions not stated): gnomAD exomes below 0.00001.
gnomAD v4.1: 1 of 1,613,892 alleles (0.000062%); highest among the groups gnomAD compares: African/African-American, 0.0013%; no homozygotes.

Submission:

Mayo Clinic Laboratories, Mayo Clinic
Classification: Uncertain significance. Last evaluated: 2022-04-29. Review status: criteria provided, single submitter. Criteria: ACMG Guidelines, 2015. Collection method: clinical testing. Allele origin: germline. Observed: 1 variant allele.
Comment: PP3, PM2

NM_000466.3(PEX1):c.2542G>T (p.Val848Phe)

Gene: PEX1 (peroxisomal biogenesis factor 1; minus strand). Cytogenetic location: 7q21.2.
Variant type: single nucleotide variant.
Coding change: c.2542G>T on transcript NM_000466.3 (MANE Select); coding-DNA position 2542, G replaced by T.
Protein change: p.Val848Phe; replaces valine 848 with phenylalanine.
Molecular consequence: missense variant.
Genome position (GRCh38, 1-based): chr7:92,501,548, C>A on the plus strand (G>T on the coding strand, the complement: PEX1 is on the minus strand). VCF-style: chr7-92501548-C-A. GRCh37 (hg19) VCF-style: chr7-92130862-C-A.
Other names: p.Val848Phe; c.2371G>T, p.Val791Phe (NM_001282677.2); c.1918G>T, p.Val640Phe (NM_001282678.2); short protein forms V640F, V791F, V848F.
Identifiers: ClinVar variation 2682980 (VCV002682980.1), dbSNP rs2484659981, ClinGen allele CA368175153.